The following is an entry in ClinVar:

NM_014671.3(UBE3C):c.1047C>G (p.Leu349=)

Gene: UBE3C (ubiquitin protein ligase E3C; plus strand). Cytogenetic location: 7q36.3.
Variant type: single nucleotide variant.
Coding change: c.1047C>G on transcript NM_014671.3 (MANE Select); coding-DNA position 1047, C replaced by G.
Protein change: p.Leu349=; no amino-acid change (leucine 349 retained).
Molecular consequence: synonymous variant.
Genome position (GRCh38, 1-based): chr7:157,183,933, C>G. VCF-style: chr7-157183933-C-G. GRCh37 (hg19) VCF-style: chr7-156976627-C-G.
Identifiers: ClinVar variation 4534181 (VCV004534181.6).

ClinVar aggregate classification (germline): Likely benign (1 of 4 stars; one submission).

gnomAD v4.1: 1 of 1,614,218 alleles (0.000062%); highest among the groups gnomAD compares: Non-Finnish European, 0.000085%; no homozygotes.

Submission:

CeGaT Center for Human Genetics Tuebingen
Classification: Likely benign. Last evaluated: 2025-11-01. Review status: criteria provided, single submitter. Criteria: CeGaT Center For Human Genetics Tuebingen Variant Classification Criteria Version 2. Collection method: clinical testing. Allele origin: germline. Affected: yes. Observed: 1 variant allele.
Comment: UBE3C: BP4, BP7